The following is an entry in ClinVar:

NM_015046.7(SETX):c.2766_2767del (p.Arg923_Asp924insTer)

Gene: SETX (senataxin; minus strand). Cytogenetic location: 9q34.13.
Variant type: Deletion.
Coding change: c.2766_2767del on transcript NM_015046.7 (MANE Select); coding-DNA positions 2766 to 2767, 2 bases deleted (AA; older notation c.2766_2767delAA).
Protein change: p.Arg923_Asp924insTer.
Molecular consequence: frameshift variant.
Genome position (GRCh38, 1-based): chr9:132,328,831-132,328,832, TT deleted on the plus strand (AA on the coding strand, the reverse complement: SETX is on the minus strand). VCF-style (leftmost placement, unchanged base first): chr9-132328830-CTT-C. GRCh37 (hg19) VCF-style: chr9-135204217-CTT-C.
Other names: c.2766_2767del, p.Arg923_Asp924insTer (NM_001351527.2, NM_001351528.2).
Identifiers: ClinVar variation 4884838 (VCV004884838.1).
Genomic context (GRCh38, chr9:132,328,830, plus strand): 5'-GCCTGTTCTCTTGTCAAGTTAGAATAAATCACACTGGTACTATTACTCATCTCCTCATCT[CTT>C]GATTCAGGTACAGTCATAAGATCTTTAAAGGGAGATGATTTCTTCTCTGAAGCATTGGTC-3'

ClinVar aggregate classification (germline): Pathogenic (0 of 4 stars; one submission).

Conditions:
Spinocerebellar ataxia, autosomal recessive, with axonal neuropathy 2 (SCAN2). Also called: ATAXIA-OCULOMOTOR APRAXIA 2; Ataxia-ocular apraxia-2; Ataxia with Oculomotor Apraxia; Ataxia with Oculomotor Apraxia Type 2. Identifiers: Orphanet 64753, MedGen C1853761, MONDO:0018996, OMIM 606002.

Submission:

Hong-Tao Li Lab, Institute of Brain Science and Brain-inspired Research, Shandong First Medical University & Shandong Academy of Medical Sciences China
Classification: Pathogenic for Spinocerebellar ataxia, autosomal recessive, with axonal neuropathy 2. Review status: no assertion criteria provided. Collection method: research. Allele origin: germline. Inheritance: Autosomal recessive inheritance. Affected: yes. Observed: 2 variant alleles, 2 homozygotes.
Comment: Observed in affected individuals from a Pakistani neurodevelopmental-disorder research cohort of 263 individuals. Classification assigned using the ACMG/AMP framework.